The following is an entry in ClinVar:

ClinVar aggregate classification (germline): Pathogenic. Review status: reviewed by expert panel (3 of 4 stars). 10 submissions from 10 submitters: Pathogenic (1). 9 of the submissions do not count toward it. Last evaluated 2017-12-08.

Conditions:
CFTR-related disorder (CFTR-RD). Also called: CFTR-related disorders; CFTR-related condition. Identifiers: MedGen C5924204, MONDO:7770004.
Bronchiectasis with or without elevated sweat chloride 1 (BESC1). Also called: Cystic Fibrosis-Like Syndrome. Identifiers: Orphanet 60033, MedGen C2749757, MONDO:0008887, OMIM 211400.
Cystic fibrosis (CF). Also called: MUCOVISCIDOSIS. Identifiers: Orphanet 586, MedGen C0010674, MONDO:0009061, OMIM 219700. Disease mechanism: loss of function.

Submissions (10):

CFTR2
Classification: Pathogenic for Cystic fibrosis. Last evaluated: 2017-12-08. Review status: reviewed by expert panel. Criteria: Sosnay PR et al. (Nat Genet 2013). Collection method: research. Allele origin: germline. Affected: yes.

Dubai Health Genomic Medicine Center, Dubai Health
Classification: Pathogenic for Cystic fibrosis. Last evaluated: 2024-10-04. Review status: criteria provided, single submitter. Criteria: ACMG Guidelines, 2015. Collection method: research. Allele origin: germline. Affected: yes. Not counted in ClinVar's aggregate classification.
Comment: PVS1,PM2,PP4

Natera, Inc.
Classification: Pathogenic for CFTR-related disorders. Last evaluated: 2024-04-05. Review status: criteria provided, single submitter. Criteria: Natera Variant Classification Schema (03/2026). Collection method: clinical testing. Allele origin: germline. Not counted in ClinVar's aggregate classification.
Comment: The c.850dupA variant in CFTR is a frameshift variant predicted to shift the reading frame beginning at codon 284 and leads to a stop codon 3 codons downstream. This variant is expected to result in nonsense mediated decay, truncation, or a dysfunctional protein product. This variant is rare in the general population with a frequency below the threshold expected for the associated phenotype(s). This variant has been observed in one or more individuals affected with the associated recessive disease, as either homozygous or compound heterozygous with a second variant (PMID: 33014932). Given the available evidence, this variant is classified as Pathogenic.

Baylor Genetics
Classification: Pathogenic for Bronchiectasis with or without elevated sweat chloride 1. Last evaluated: 2023-11-08. Review status: criteria provided, single submitter. Criteria: ACMG Guidelines, 2015. Collection method: clinical testing. Allele origin: unknown. Not counted in ClinVar's aggregate classification.

Labcorp Genetics (formerly Invitae), Labcorp
Classification: Pathogenic for Cystic fibrosis. Last evaluated: 2023-11-06. Review status: criteria provided, single submitter. Criteria: Invitae Variant Classification Sherloc (09022015). Collection method: clinical testing. Allele origin: germline. Not counted in ClinVar's aggregate classification.
Comment: This sequence change creates a premature translational stop signal (p.Met284Asnfs*3) in the CFTR gene. It is expected to result in an absent or disrupted protein product. Loss-of-function variants in CFTR are known to be pathogenic (PMID: 1695717, 7691345, 9725922). This variant is not present in population databases (gnomAD no frequency). This premature translational stop signal has been observed in individual(s) with clinical features of cystic fibrosis (PMID: 7684644). In at least one individual the data is consistent with being in trans (on the opposite chromosome) from a pathogenic variant. This variant is also known as c.977insA. ClinVar contains an entry for this variant (Variation ID: 189095). For these reasons, this variant has been classified as Pathogenic.

Women's Health and Genetics/Laboratory Corporation of America, LabCorp
Classification: Pathogenic for Cystic fibrosis. Last evaluated: 2022-04-12. Review status: criteria provided, single submitter. Criteria: LabCorp Variant Classification Summary - May 2015. Collection method: clinical testing. Allele origin: germline. Not counted in ClinVar's aggregate classification.
Comment: Variant summary: The variant, CFTR c.850dupA (p.Met284AsnfsX3, also known as legacy name 977insA) results in a premature termination codon, predicted to cause a truncation of the encoded protein or absence of the protein due to nonsense mediated decay, which are commonly known mechanisms for disease. Truncations downstream of this position have been classified as pathogenic by our laboratory (eg. c.861_865delCTTAA (p.Met284fsX3), c.948delT (p.Phe316fsX12)). The variant was absent in 244174 control chromosomes (gnomAD) and has been reported in the literature in individuals affected with Cystic Fibrosis (Cheadle_1993, Schwarz_1995). These data indicate that the variant is likely to be associated with disease. To our knowledge, no experimental evidence demonstrating an impact on protein function has been reported. Three clinical diagnostic laboratories have submitted clinical-significance assessments for this variant to ClinVar after 2014 without evidence for independent evaluation. All laboratories classified the variant as pathogenic. Based on the evidence outlined above, the variant was classified as pathogenic.

Eurofins Ntd Llc (ga)
Classification: Pathogenic. Last evaluated: 2016-03-28. Review status: criteria provided, single submitter. Criteria: EGL Classification Definitions. Collection method: clinical testing. Allele origin: germline. Observed: 1 variant allele, 1 heterozygote. Not counted in ClinVar's aggregate classification.

Ambry Genetics
Classification: Pathogenic for Cystic fibrosis. Last evaluated: 2014-09-12. Review status: criteria provided, single submitter. Criteria: Ambry Variant Classification Scheme 2023. Collection method: clinical testing. Allele origin: germline. Not counted in ClinVar's aggregate classification.
Comment: The c.850dupA pathogenic mutation (also known as 977insA), located in coding exon 7 of the CFTR gene, results from a duplication of A at nucleotide position 850, causing a translational frameshift with a predicted alternate stop codon (p.M284Nfs*3). This pathogenic mutation was first reported in an individual with mild to moderate lung disease who was pancreatic sufficient; this individual also carried the deltaF508 pathogenic mutation (Cheadle JP et al. Hum Mol Genet. 1993; 2(3):317-9). In addition to the clinical data presented in the literature, since frameshifts are typically deleterious in nature, this alteration is interpreted as a disease-causing mutation (ACMG Recommendations for Standards for Interpretation and Reporting of Sequence Variations. Revision 2007. Genet Med. 2008;10:294).

PreventionGenetics, part of Exact Sciences
Classification: Pathogenic for CFTR-related condition. Last evaluated: 2024-03-13. Review status: no assertion criteria provided. Collection method: clinical testing. Allele origin: germline. Not counted in ClinVar's aggregate classification.
Comment: The CFTR c.850dupA variant is predicted to result in a frameshift and premature protein termination (p.Met284Asnfs*3). This variant, also described as c.844_845insA, c.845_846insA, and 977insA, has been reported in multiple individuals with cystic fibrosis, including at least eight individuals in the CFTR2 database (Cheadle et al. 1993. PubMed ID: 7684644; Trujillano et al. 2015. PubMed ID: 26436105; Park et al. 2020. PubMed ID: 33014932). In vitro functional studies on cultured nasal epithelial cells from a patient heterozygous for both p.Met284Asnfs*3 and p.Phe508del showed these cells retained only ~12% residual CFTR activity compared to control (Park et al. 2020. PubMed ID: 33014932). This variant has not been reported in a large population database, indicating this variant is rare. Frameshift variants in CFTR are expected to be pathogenic. This variant is interpreted as pathogenic.

Counsyl
Classification: Likely pathogenic for Cystic fibrosis. Last evaluated: 2014-12-18. Review status: no assertion criteria provided. Collection method: literature only. Allele origin: unknown. Inheritance: Autosomal recessive inheritance. Not counted in ClinVar's aggregate classification.

Literature cited by the submitters: PubMed 33014932 (cited by Natera, Inc.); PubMed 1695717 (cited by Labcorp Genetics (formerly Invitae), Labcorp); PubMed 7691345 (cited by Labcorp Genetics (formerly Invitae), Labcorp); PubMed 9725922 (cited by Labcorp Genetics (formerly Invitae), Labcorp); PubMed 7684644 (cited by 4 submitters); PubMed 9259197 (cited by Women's Health and Genetics/Laboratory Corporation of America, LabCorp); PubMed 7521710 (cited by Women's Health and Genetics/Laboratory Corporation of America, LabCorp); PubMed 16488363 (cited by Women's Health and Genetics/Laboratory Corporation of America, LabCorp and Counsyl); PubMed 8680406 (cited by Women's Health and Genetics/Laboratory Corporation of America, LabCorp); PubMed 9067754 (cited by Women's Health and Genetics/Laboratory Corporation of America, LabCorp); PubMed 26436105 (cited by Women's Health and Genetics/Laboratory Corporation of America, LabCorp).

NM_000492.4(CFTR):c.850dup (p.Met284fs)

Gene: CFTR (CF transmembrane conductance regulator; plus strand). Cytogenetic location: 7q31.2.
Variant type: Duplication.
Coding change: c.850dup on transcript NM_000492.4 (MANE Select); coding-DNA position 850, one base duplicated (A; older notation c.850dupA).
Protein change: p.Met284fs; shifts the reading frame from methionine 284.
Molecular consequence: frameshift variant.
Genome position (GRCh38, 1-based): chr7:117,536,654, A duplicated; the last of 6 consecutive A bases (chr7:117,536,649-117,536,654); duplicating any one gives the same sequence. VCF-style (leftmost placement, unchanged base first): chr7-117536648-G-GA. GRCh37 (hg19) VCF-style: chr7-117176702-G-GA.
Other names: c.850dupA (NM_000492.3); short protein forms M284fs.
Identifiers: ClinVar variation 189095 (VCV000189095.23), dbSNP rs786204693, ClinGen allele CA274372.